The following is an entry in ClinVar:

ClinVar aggregate classification (germline): Benign/Likely benign. Review status: criteria provided, multiple submitters, no conflicts (2 of 4 stars). 3 submissions from 3 submitters: Benign (2); Likely benign (1). Last evaluated 2025-12-10.

Conditions:
SLC17A9-related disorder. Also called: SLC17A9-related condition.

Allele frequency attached by ClinVar (database versions not stated): gnomAD exomes 0.00038 and 0.00091; ExAC 0.00120; gnomAD 0.00395 and 0.00424; 1000 Genomes Project 0.00399; 1000 Genomes Project 30x 0.00437; TOPMed 0.00451.
gnomAD v4.1: 1,190 of 1,613,210 alleles (0.074%); highest among the groups gnomAD compares: African/African-American, 1.3%; 4 homozygotes.

Submissions (10):

PreventionGenetics, part of Exact Sciences
Classification: Likely benign for SLC17A9-related condition. Last evaluated: 2025-12-10. Review status: criteria provided, single submitter. Criteria: ACMG Guidelines, 2015. Collection method: clinical testing. Allele origin: germline.
Comment: This variant is classified as likely benign based on ACMG/AMP sequence variant interpretation guidelines (Richards et al. 2015 PMID: 25741868, with internal and published modifications).

Labcorp Genetics (formerly Invitae), Labcorp
Classification: Benign. Last evaluated: 2019-12-31. Review status: criteria provided, single submitter. Criteria: Invitae Variant Classification Sherloc (09022015). Collection method: clinical testing. Allele origin: germline.

Breakthrough Genomics
Classification: Benign. Review status: criteria provided, single submitter. Criteria: ACMG Guidelines, 2015. Collection method: not provided. Allele origin: germline. Inheritance: Autosomal dominant inheritance. Affected: yes.

Dr. Peter K. Rogan Lab, Western University
No classification provided (evidence only). Condition: Clear cell carcinoma of kidney. Review status: no classification provided. Collection method: in vitro. Allele origin: not applicable. Functional consequence: retained intron. Not counted in ClinVar's aggregate classification.

Dr. Peter K. Rogan Lab, Western University
No classification provided (evidence only). Condition: Familial cancer of breast. Review status: no classification provided. Collection method: in vitro. Allele origin: not applicable. Functional consequence: retained intron. Not counted in ClinVar's aggregate classification.

Dr. Peter K. Rogan Lab, Western University
No classification provided (evidence only). Condition: Familial cancer of breast. Review status: no classification provided. Collection method: in vitro. Allele origin: not applicable. Functional consequence: retained intron. Not counted in ClinVar's aggregate classification.

Dr. Peter K. Rogan Lab, Western University
No classification provided (evidence only). Condition: Familial cancer of breast. Review status: no classification provided. Collection method: in vitro. Allele origin: not applicable. Functional consequence: retained intron. Not counted in ClinVar's aggregate classification.

Dr. Peter K. Rogan Lab, Western University
No classification provided (evidence only). Condition: Uterine corpus endometrial carcinoma. Review status: no classification provided. Collection method: in vitro. Allele origin: not applicable. Functional consequence: retained intron. Not counted in ClinVar's aggregate classification.

Dr. Peter K. Rogan Lab, Western University
No classification provided (evidence only). Condition: Uterine corpus endometrial carcinoma. Review status: no classification provided. Collection method: in vitro. Allele origin: not applicable. Functional consequence: retained intron. Not counted in ClinVar's aggregate classification.

Dr. Peter K. Rogan Lab, Western University
No classification provided (evidence only). Condition: Uterine corpus endometrial carcinoma. Review status: no classification provided. Collection method: in vitro. Allele origin: not applicable. Functional consequence: retained intron. Not counted in ClinVar's aggregate classification.

NM_022082.4(SLC17A9):c.257+2T>C

Gene: SLC17A9 (solute carrier family 17 member 9; plus strand). Cytogenetic location: 20q13.33.
Variant type: single nucleotide variant.
Coding change: c.257+2T>C on transcript NM_022082.4 (MANE Select); the canonical splice donor site of the intron after coding-DNA position 257, T replaced by C.
Molecular consequence: splice donor variant.
Genome position (GRCh38, 1-based): chr20:62,956,964, T>C. VCF-style: chr20-62956964-T-C. GRCh37 (hg19) VCF-style: chr20-61588316-T-C.
Other names: NC_000020.10:g.61588316T>C; c.239+2T>C (NM_001302643.2).
Identifiers: ClinVar variation 709519 (VCV000709519.7), dbSNP rs201787924, ClinGen allele CA9952805.